The following is an entry in ClinVar:

NM_001346022.3(USP45):c.1548G>T (p.Gln516His)

Gene: USP45 (ubiquitin specific peptidase 45; minus strand). Cytogenetic location: 6q16.2.
Variant type: single nucleotide variant.
Coding change: c.1548G>T on transcript NM_001346022.3 (MANE Select); coding-DNA position 1548, G replaced by T.
Protein change: p.Gln516His; replaces glutamine 516 with histidine.
Molecular consequence: missense variant. On other transcripts: non-coding transcript variant (2).
Genome position (GRCh38, 1-based): chr6:99,446,224, C>A on the plus strand (G>T on the coding strand, the complement: USP45 is on the minus strand). VCF-style: chr6-99446224-C-A. GRCh37 (hg19) VCF-style: chr6-99894100-C-A.
Other names: c.1548G>T, p.Gln516His (NM_001080481.3, NM_001346021.3, NM_001346026.3); c.1545G>T, p.Gln515His (NM_001346023.3); c.1374G>T, p.Gln458His (NM_001346024.3); c.1371G>T, p.Gln457His (NM_001346025.3); c.468G>T, p.Gln156His (NM_001346027.3, NM_001346028.3, NM_001346029.3); short protein forms Q156H, Q457H, Q458H, Q515H, Q516H.
Identifiers: ClinVar variation 2443297 (VCV002443297.3), dbSNP rs142044423, ClinGen allele CA3935262.

ClinVar aggregate classification (germline): Uncertain significance. Review status: criteria provided, single submitter (1 of 4 stars). 2 submissions from 2 submitters: Uncertain significance (1). 1 of the submissions does not count toward it. Last evaluated 2024-12-02.

Allele frequency attached by ClinVar (database versions not stated): gnomAD 0.00051; TOPMed 0.00054; gnomAD exomes 0.00097; ESP Exome Variant Server 0.00154.
gnomAD v4.1: 1,485 of 1,614,214 alleles (0.092%); highest among the groups gnomAD compares: Non-Finnish European, 0.12%; 3 homozygotes.

Submissions (2):

Ambry Genetics
Classification: Uncertain significance. Last evaluated: 2024-12-02. Review status: criteria provided, single submitter. Criteria: Ambry Variant Classification Scheme 2023. Collection method: clinical testing. Allele origin: germline.

Genetic Services Laboratory, University of Chicago
Classification: Uncertain significance. Last evaluated: 2022-06-27. Review status: no assertion criteria provided. Collection method: clinical testing. Allele origin: germline. Affected: no. Not counted in ClinVar's aggregate classification.
Comment: DNA sequence analysis of the USP45 gene demonstrated a sequence change, c.1548G>T, in exon 14 that results in an amino acid change, p.Gln516His. This sequence change does not appear to have been previously described in individuals with USP45-related disorders. This sequence change has been described in the gnomAD database with a frequency of 0.13% in the European subpopulation (dbSNP rs142044423). The p.Gln516His change affects a moderately conserved amino acid residue located in a domain of the USP45 protein that is known to be functional. In-silico pathogenicity prediction tools (SIFT, PolyPhen2, Align GVGD, REVEL) provide contradictory results for the p.Gln516His substitution. Due to insufficient evidences and the lack of functional studies, the clinical significance of the p.Gln516His change remains unknown at this time.